The following is an entry in ClinVar:

NM_022124.6(CDH23):c.4250G>A (p.Arg1417Gln)

Gene: CDH23 (cadherin related 23; plus strand). Cytogenetic location: 10q22.1.
Variant type: single nucleotide variant.
Coding change: c.4250G>A on transcript NM_022124.6 (MANE Select); coding-DNA position 4250, G replaced by A.
Protein change: p.Arg1417Gln; replaces arginine 1417 with glutamine.
Molecular consequence: missense variant.
Genome position (GRCh38, 1-based): chr10:71,738,538, G>A. VCF-style: chr10-71738538-G-A. GRCh37 (hg19) VCF-style: chr10-73498295-G-A.
Other names: c.4250G>A (NM_022124.5); short protein forms R1417Q.
Identifiers: ClinVar variation 998526 (VCV000998526.8), dbSNP rs369353175, ClinGen allele CA5544993.

ClinVar aggregate classification (germline): Uncertain significance. Review status: criteria provided, multiple submitters, no conflicts (2 of 4 stars). 3 submissions from 3 submitters: Uncertain significance (2). 1 of the submissions does not count toward it. Last evaluated 2022-09-27.

Conditions:
Inborn genetic diseases. Identifiers: MedGen C0950123, MeSH D030342.
Usher syndrome type 1 (USH1). Also called: RETINITIS PIGMENTOSA AND CONGENITAL DEAFNESS. Identifiers: Orphanet 231169, Orphanet 886, MedGen C1568247, MONDO:0010168, OMIM 276900.

Allele frequency attached by ClinVar (database versions not stated): gnomAD 0.00003 and 0.00002; TOPMed 0.00004; ESP Exome Variant Server 0.00008; gnomAD exomes 0.00003 and 0.00004; ExAC 0.00003; 1000 Genomes Project 30x 0.00016; 1000 Genomes Project 0.00020.
gnomAD v4.1: 42 of 1,613,960 alleles (0.0026%); highest among the groups gnomAD compares: African/African-American, 0.0053%; no homozygotes.

Submissions (3):

Labcorp Genetics (formerly Invitae), Labcorp
Classification: Uncertain significance. Last evaluated: 2022-09-27. Review status: criteria provided, single submitter. Criteria: Invitae Variant Classification Sherloc (09022015). Collection method: clinical testing. Allele origin: germline.
Comment: This sequence change replaces arginine, which is basic and polar, with glutamine, which is neutral and polar, at codon 1417 of the CDH23 protein (p.Arg1417Gln). This variant is present in population databases (rs369353175, gnomAD 0.01%). This variant has not been reported in the literature in individuals affected with CDH23-related conditions. ClinVar contains an entry for this variant (Variation ID: 998526). Advanced modeling of protein sequence and biophysical properties (such as structural, functional, and spatial information, amino acid conservation, physicochemical variation, residue mobility, and thermodynamic stability) performed at Invitae indicates that this missense variant is not expected to disrupt CDH23 protein function. In summary, the available evidence is currently insufficient to determine the role of this variant in disease. Therefore, it has been classified as a Variant of Uncertain Significance.

Ambry Genetics
Classification: Uncertain significance for Inborn genetic diseases. Last evaluated: 2022-07-13. Review status: criteria provided, single submitter. Criteria: Ambry Variant Classification Scheme 2023. Collection method: clinical testing. Allele origin: germline.

Natera, Inc.
Classification: Uncertain significance for Usher syndrome type 1. Last evaluated: 2020-03-23. Review status: no assertion criteria provided. Collection method: clinical testing. Allele origin: germline. Not counted in ClinVar's aggregate classification.